The following is an entry in ClinVar:

NM_004612.4(TGFBR1):c.829T>A (p.Trp277Arg)

Gene: TGFBR1 (transforming growth factor beta receptor 1; plus strand). Cytogenetic location: 9q22.33.
Variant type: single nucleotide variant.
Coding change: c.829T>A on transcript NM_004612.4 (MANE Select); coding-DNA position 829, T replaced by A.
Protein change: p.Trp277Arg; replaces tryptophan 277 with arginine.
Molecular consequence: missense variant.
Genome position (GRCh38, 1-based): chr9:99,142,559, T>A. VCF-style: chr9-99142559-T-A. GRCh37 (hg19) VCF-style: chr9-101904841-T-A.
Other names: c.598T>A, p.Trp200Arg (NM_001130916.3); c.841T>A, p.Trp281Arg (NM_001306210.2); short protein forms W281R, W277R, W200R.
Identifiers: ClinVar variation 1034099 (VCV001034099.1), dbSNP rs1827647083, ClinGen allele CA374230533.
Genomic context (GRCh38, chr9:99,142,559, plus strand): 5'-TCTGCAGCCCAACCGAAATGTTAATTCTGTTTTACAGACAATGGTACTTGGACTCAGCTC[T>A]GGTTGGTGTCAGATTATCATGAGCATGGATCCCTTTTTGATTACTTAAACAGATACACAG-3'
Protein context (NP_004603.1, residues 267-287): NKDNGTWTQL[Trp277Arg]LVSDYHEHGS

ClinVar aggregate classification (germline): Likely pathogenic (1 of 4 stars; one submission).

Conditions:
Loeys-Dietz syndrome 1 (LDS1). Also called: AORTIC ANEURYSM, FAMILIAL THORACIC 5; FURLONG SYNDROME; TGFBR1-Related Loeys-Dietz Syndrome. Identifiers: Orphanet 60030, MedGen C4551955, MONDO:0012212, OMIM 609192.

Submission:

Baylor Genetics
Classification: Likely pathogenic for Loeys-Dietz syndrome 1. Last evaluated: 2018-03-30. Review status: criteria provided, single submitter. Criteria: ACMG Guidelines, 2015. Collection method: clinical testing. Allele origin: de novo. Affected: yes.
Comment: This variant was determined to be likely pathogenic according to ACMG Guidelines, 2015 [PMID:25741868].